The following is an entry in ClinVar:

ClinVar aggregate classification (germline): Conflicting classifications of pathogenicity. Review status: criteria provided, conflicting classifications (1 of 4 stars). 3 submissions from 3 submitters: Uncertain significance (2); Likely benign (1). Last evaluated 2024-05-21.

Conditions:
Cardiovascular phenotype. Identifiers: MedGen CN230736.
Hypercholesterolemia, autosomal dominant, type B (FHCL2). Also called: Hyperlipoproteinemia Type IIb; Familial Hypercholesterolemia Type B; APOLIPOPROTEIN B-100, FAMILIAL DEFECTIVE; APOLIPOPROTEIN B-100, FAMILIAL LIGAND-DEFECTIVE; Familial hypercholesterolemia 2; APOB-Related Familial Hypercholesterolemia, Autosomal Dominant. Identifiers: MedGen C1704417, MONDO:0007751, OMIM 144010.
Familial hypobetalipoproteinemia 1. Also called: Hypobetalipoproteinemia, normotriglyceridemic; Acanthocytosis with hypobetalipoproteinemia; APOB-Related Familial Hypobetalipoproteinemia. Identifiers: MedGen C4551990, MONDO:0014252, OMIM 615558.

Allele frequency attached by ClinVar (database versions not stated): ExAC 0.00002; gnomAD 0.00001; gnomAD exomes 0.00001; TOPMed 0.00001.
gnomAD v4.1: 15 of 1,613,958 alleles (0.00093%); highest among the groups gnomAD compares: Non-Finnish European, 0.0013%; no homozygotes.

Submissions (3):

GeneDx
Classification: Uncertain significance. Last evaluated: 2024-05-21. Review status: criteria provided, single submitter. Criteria: GeneDx Variant Classification Process June 2021. Collection method: clinical testing. Allele origin: germline. Affected: yes.
Comment: Not observed at significant frequency in large population cohorts (gnomAD); In silico analysis supports that this missense variant has a deleterious effect on protein structure/function; Has not been previously published as pathogenic or benign to our knowledge

Ambry Genetics
Classification: Uncertain significance for Cardiovascular phenotype. Last evaluated: 2024-04-23. Review status: criteria provided, single submitter. Criteria: Ambry Variant Classification Scheme 2023. Collection method: clinical testing. Allele origin: germline.

Labcorp Genetics (formerly Invitae), Labcorp
Classification: Likely benign for Familial hypobetalipoproteinemia 1; Hypercholesterolemia, autosomal dominant, type B. Last evaluated: 2024-03-06. Review status: criteria provided, single submitter. Criteria: Invitae Variant Classification Sherloc (09022015). Collection method: clinical testing. Allele origin: germline.

NM_000384.3(APOB):c.2978A>G (p.Tyr993Cys)

Gene: APOB (apolipoprotein B; minus strand). Cytogenetic location: 2p24.1.
Variant type: single nucleotide variant.
Coding change: c.2978A>G on transcript NM_000384.3 (MANE Select); coding-DNA position 2978, A replaced by G.
Protein change: p.Tyr993Cys; replaces tyrosine 993 with cysteine.
Molecular consequence: missense variant.
Genome position (GRCh38, 1-based): chr2:21,019,744, T>C on the plus strand (A>G on the coding strand, the complement: APOB is on the minus strand). VCF-style: chr2-21019744-T-C. GRCh37 (hg19) VCF-style: chr2-21242616-T-C.
Other names: short protein forms Y993C.
Identifiers: ClinVar variation 582782 (VCV000582782.14), dbSNP rs762080553, ClinGen allele CA057632.